The following is an entry in ClinVar:

NM_000093.5(COL5A1):c.1332+46T>C

Gene: COL5A1 (collagen type V alpha 1 chain; plus strand). Cytogenetic location: 9q34.3.
Variant type: single nucleotide variant.
Coding change: c.1332+46T>C on transcript NM_000093.5 (MANE Select); 46 bases into the intron after coding-DNA position 1332, T replaced by C.
Molecular consequence: intron variant.
Genome position (GRCh38, 1-based): chr9:134,731,709, T>C. VCF-style: chr9-134731709-T-C. GRCh37 (hg19) VCF-style: chr9-137623555-T-C.
Other names: c.1332+46T>C (NM_001278074.1).
Identifiers: ClinVar variation 255049 (VCV000255049.13), dbSNP rs3109675, ClinGen allele CA5318724.

ClinVar aggregate classification (germline): Benign. Review status: criteria provided, multiple submitters, no conflicts (2 of 4 stars). 6 submissions from 5 submitters: Benign (6). Last evaluated 2022-03-15.

Conditions:
Fibromuscular dysplasia, multifocal. Identifiers: MedGen C5543412, MONDO:0859151, OMIM 619329.
Ehlers-Danlos syndrome, classic type, 1 (EDSCL1). Also called: Ehlers-Danlos Syndrome, Classic Type, COL5A1-Related; EHLERS-DANLOS SYNDROME, GRAVIS TYPE; EHLERS-DANLOS SYNDROME, SEVERE CLASSIC TYPE; Ehlers-Danlos syndrome, type 1; EDS I. Identifiers: MedGen C0268335, MONDO:0019567, OMIM 130000.
Ehlers-Danlos syndrome, classic type (cEDS). Identifiers: Orphanet 287, MedGen C4225429, MONDO:0007522.

Allele frequency attached by ClinVar (database versions not stated): TOPMed 0.42286; gnomAD 0.42336 and 0.41683; ESP Exome Variant Server 0.37982; 1000 Genomes Project 30x 0.41552; 1000 Genomes Project 0.41933; gnomAD exomes 0.48328.
gnomAD v4.1: 750,828 of 1,572,416 alleles (48%); highest among the groups gnomAD compares: Admixed American, 67%; 183,578 homozygotes.

Submissions (6):

Genome-Nilou Lab
Classification: Benign for Ehlers-Danlos syndrome, classic type, 1. Last evaluated: 2022-03-15. Review status: criteria provided, single submitter. Criteria: ACMG Guidelines, 2015. Collection method: clinical testing. Allele origin: germline. Affected: no.

Genome-Nilou Lab
Classification: Benign for Fibromuscular dysplasia, multifocal. Last evaluated: 2022-03-15. Review status: criteria provided, single submitter. Criteria: ACMG Guidelines, 2015. Collection method: clinical testing. Allele origin: germline. Affected: no.

ARUP Laboratories, Molecular Genetics and Genomics, ARUP Laboratories
Classification: Benign for Ehlers-Danlos syndrome, classic type, 1. Last evaluated: 2018-07-03. Review status: criteria provided, single submitter. Criteria: ARUP Molecular Germline Variant Investigation Process. Collection method: clinical testing. Allele origin: germline.

GeneDx
Classification: Benign. Last evaluated: 2018-06-14. Review status: criteria provided, single submitter. Criteria: GeneDx Variant Classification (06012015). Collection method: clinical testing. Allele origin: germline. Affected: yes.
Comment: This variant is considered likely benign or benign based on one or more of the following criteria: it is a conservative change, it occurs at a poorly conserved position in the protein, it is predicted to be benign by multiple in silico algorithms, and/or has population frequency not consistent with disease.

Breakthrough Genomics
Classification: Benign. Review status: criteria provided, single submitter. Criteria: ACMG Guidelines, 2015. Collection method: not provided. Allele origin: germline. Inheritance: Autosomal dominant inheritance. Affected: yes.

PreventionGenetics, part of Exact Sciences
Classification: Benign. Review status: criteria provided, single submitter. Criteria: ACMG Guidelines, 2015. Collection method: clinical testing. Allele origin: germline.